The following is an entry in ClinVar:

NC_000023.10:g.(?_53421698)_(53421808_?)del

Gene: SMC1A (structural maintenance of chromosomes 1A; minus strand). Cytogenetic location: Xp11.22.
Variant type: Deletion.
Identifiers: ClinVar variation 1064223 (VCV001064223.2).

ClinVar aggregate classification (germline): Uncertain significance (1 of 4 stars; one submission).

Conditions:
Congenital muscular hypertrophy-cerebral syndrome (CDLS2). Also called: SMC1A-Related Cornelia de Lange Syndrome; Cornelia de Lange syndrome 2. Identifiers: Orphanet 199, MedGen C1802395, MONDO:0010370, OMIM 300590.

Submission:

Labcorp Genetics (formerly Invitae), Labcorp
Classification: Uncertain significance for Congenital muscular hypertrophy-cerebral syndrome. Last evaluated: 2020-03-06. Review status: criteria provided, single submitter. Criteria: Invitae Variant Classification Sherloc (09022015). Collection method: clinical testing. Allele origin: germline.
Comment: This variant is an in-frame deletion of the genomic region encompassing exon 19 of the SMC1A gene. It preserves the integrity of the reading frame. This variant has not been reported in the literature in individuals with SMC1A-related conditions. In summary, the available evidence is currently insufficient to determine the role of this variant in disease. Therefore, it has been classified as a Variant of Uncertain Significance.